The following is an entry in ClinVar:

ClinVar aggregate classification (germline): Likely pathogenic (1 of 4 stars; one submission).

Submission:

CeGaT Center for Human Genetics Tuebingen
Classification: Likely pathogenic. Last evaluated: 2025-08-01. Review status: criteria provided, single submitter. Criteria: CeGaT Center For Human Genetics Tuebingen Variant Classification Criteria Version 2. Collection method: clinical testing. Allele origin: germline. Affected: yes. Observed: 1 variant allele.
Comment: ATP1A3: PVS1:Strong, PM2

NM_152296.5(ATP1A3):c.2375del (p.Leu792fs)

Gene: ATP1A3 (ATPase Na+/K+ transporting subunit alpha 3; minus strand). Cytogenetic location: 19q13.2.
Variant type: Deletion.
Coding change: c.2375del on transcript NM_152296.5 (MANE Select); coding-DNA position 2375, one base deleted (T; older notation c.2375delT).
Protein change: p.Leu792fs; shifts the reading frame from leucine 792.
Molecular consequence: frameshift variant.
Genome position (GRCh38, 1-based): chr19:41,970,431, A deleted on the plus strand (T on the coding strand, the reverse complement: ATP1A3 is on the minus strand). VCF-style (leftmost placement, unchanged base first): chr19-41970430-CA-C. GRCh37 (hg19) VCF-style: chr19-42474582-CA-C.
Other names: c.2408del, p.Leu803fs (NM_001256213.2); c.2414del, p.Leu805fs (NM_001256214.2); short protein forms L792fs, L803fs, L805fs.
Identifiers: ClinVar variation 4085879 (VCV004085879.8).
Genomic context (GRCh38, chr19:41,970,430, plus strand): 5'-GTGGCTGCCAGGGCTCACCATGTCAGTGCCCAGATCGATGCAGAGGATGGTGATGGTGCC[CA>C]GGGGCAGCGGGATGTTGGCCATGATGAACAGCAGGAAGGGCGTGATCTCCGGGATATTGC-3'